The following is an entry in ClinVar:

ClinVar aggregate classification (germline): Conflicting classifications of pathogenicity. Review status: criteria provided, conflicting classifications (1 of 4 stars). 2 submissions from 2 submitters: Likely pathogenic (1); Uncertain significance (1). Last evaluated 2018-11-26.

Conditions:
Hereditary cancer-predisposing syndrome. Also called: Tumor predisposition; Hereditary neoplastic syndrome; Neoplastic Syndromes, Hereditary; Hereditary Cancer Syndrome. Identifiers: Orphanet 140162, MedGen C0027672, MeSH D009386, MONDO:0015356.
Pheochromocytoma. Also called: MAX-Related Hereditary Paraganglioma-Pheochromocytoma Syndrome. Identifiers: Orphanet 29072, MedGen C0031511, MONDO:0008233, OMIM 171300, HP:0002666.
Pheochromocytoma/paraganglioma syndrome 4. Also called: SDHB-Related Hereditary Paraganglioma-Pheochromocytoma Syndrome (Paragangliomas 4); CAROTID BODY TUMORS AND MULTIPLE EXTRAADRENAL PHEOCHROMOCYTOMAS; PARAGANGLIOMA, FAMILIAL MALIGNANT; PARAGANGLIOMAS, HEREDITARY EXTRAADRENAL; SDHB-Related Hereditary Paraganglioma-Pheochromocytoma Syndrome; PHEOCHROMOCYTOMA, FAMILIAL EXTRAADRENAL. Identifiers: Orphanet 29072, MedGen C1861848, MONDO:0007273, OMIM 115310.
Gastrointestinal stromal tumor. Also called: Gastrointestinal stroma tumor; Gastrointestinal stromal tumor, somatic. Identifiers: Orphanet 44890, MedGen C0238198, MeSH D046152, MONDO:0011719, OMIM 606764, HP:0100723.

Submissions (2):

Ambry Genetics
Classification: Likely pathogenic for Hereditary cancer-predisposing syndrome. Last evaluated: 2018-11-26. Review status: criteria provided, single submitter. Criteria: Ambry Variant Classification Scheme 2023. Collection method: clinical testing. Allele origin: germline.
Comment: The p.L212F variant (also known as c.634C>T), located in coding exon 6 of the SDHB gene, results from a C to T substitution at nucleotide position 634. The leucine at codon 212 is replaced by phenylalanine, an amino acid with highly similar properties. Based on internal structural analysis, the leucine is located near the sulfur-binding center of the SDHB protein, and this variant is anticipated to disrupt its folding (Sun F et al. Cell. 2005 Jul;121:1043-57). This variant was not reported in the gnomAD database, with coverage at this position. This amino acid position is highly conserved in available vertebrate species. In addition, this alteration is predicted to be deleterious by in silico analysis. Based on the majority of available evidence to date, this variant is likely to be pathogenic.

Labcorp Genetics (formerly Invitae), Labcorp
Classification: Uncertain significance for Gastrointestinal stromal tumor; Pheochromocytoma/paraganglioma syndrome 4; Pheochromocytoma. Last evaluated: 2018-03-04. Review status: criteria provided, single submitter. Criteria: Invitae Variant Classification Sherloc (09022015). Collection method: clinical testing. Allele origin: germline.
Comment: Algorithms developed to predict the effect of missense changes on protein structure and function do not agree on the potential impact of this missense change (SIFT: "Deleterious"; PolyPhen-2: "Benign"; Align-GVGD: "Class C15"). This variant has not been reported in the literature in individuals with SDHB-related disease. ClinVar contains an entry for this variant (Variation ID: 480792). This variant is not present in population databases (ExAC no frequency). This sequence change replaces leucine with phenylalanine at codon 212 of the SDHB protein (p.Leu212Phe). The leucine residue is highly conserved and there is a small physicochemical difference between leucine and phenylalanine. In summary, the available evidence is currently insufficient to determine the role of this variant in disease. Therefore, it has been classified as a Variant of Uncertain Significance.

Literature cited by the submitters: PubMed 15989954 (cited by Ambry Genetics).

NM_003000.3(SDHB):c.634C>T (p.Leu212Phe)

Gene: SDHB (succinate dehydrogenase complex iron sulfur subunit B; minus strand). Cytogenetic location: 1p36.13.
Variant type: single nucleotide variant.
Coding change: c.634C>T on transcript NM_003000.3 (MANE Select); coding-DNA position 634, C replaced by T.
Protein change: p.Leu212Phe; replaces leucine 212 with phenylalanine.
Molecular consequence: missense variant.
Genome position (GRCh38, 1-based): chr1:17,023,981, G>A on the plus strand (C>T on the coding strand, the complement: SDHB is on the minus strand). VCF-style: chr1-17023981-G-A. GRCh37 (hg19) VCF-style: chr1-17350476-G-A.
Other names: short protein forms L212F.
Identifiers: ClinVar variation 480792 (VCV000480792.10), dbSNP rs1228560456, ClinGen allele CA338270937.